The following is an entry in ClinVar:

ClinVar aggregate classification (germline): Pathogenic (1 of 4 stars; one submission).

Conditions:
Nemaline myopathy 2 (NEM2). Also called: Nemaline myopathy 2, autosomal recessive. Identifiers: MedGen C1850569, MONDO:0009725, OMIM 256030.

Submission:

Labcorp Genetics (formerly Invitae), Labcorp
Classification: Pathogenic for Nemaline myopathy 2. Last evaluated: 2019-01-25. Review status: criteria provided, single submitter. Criteria: Invitae Variant Classification Sherloc (09022015). Collection method: clinical testing. Allele origin: germline.
Comment: For these reasons, this variant has been classified as Pathogenic. Loss-of-function variants in NEB are known to be pathogenic (PMID: 25205138). This variant has not been reported in the literature in individuals with NEB-related conditions. This variant is not present in population databases (ExAC no frequency). This sequence change creates a premature translational stop signal (p.Met2251Ilefs*30) in the NEB gene. It is expected to result in an absent or disrupted protein product.

Literature cited by the submitters: PubMed 25205138.

NM_001164508.2(NEB):c.6753del (p.Met2251fs)

Gene: NEB (nebulin; minus strand). Cytogenetic location: 2q23.3.
Variant type: Deletion.
Coding change: c.6753del on transcript NM_001164508.2 (MANE Select); coding-DNA position 6753, one base deleted (G; older notation c.6753delG).
Protein change: p.Met2251fs; shifts the reading frame from methionine 2251.
Molecular consequence: frameshift variant.
Genome position (GRCh38, 1-based): chr2:151,655,324, C deleted on the plus strand (G on the coding strand, the reverse complement: NEB is on the minus strand). VCF-style (leftmost placement, unchanged base first): chr2-151655323-GC-G. GRCh37 (hg19) VCF-style: chr2-152511837-GC-G.
Other names: c.6753del, p.Met2251fs (NM_001164507.2, NM_001271208.2, NM_004543.5); short protein forms M2251fs.
Identifiers: ClinVar variation 854267 (VCV000854267.8), dbSNP rs2099075936, ClinGen allele CA916080286.